The following is an entry in ClinVar:

ClinVar aggregate classification (germline): Uncertain significance (1 of 4 stars; one submission).

Conditions:
Deficiency of transaldolase. Also called: EYAID SYNDROME. Identifiers: Orphanet 101028, MedGen C1291329, MONDO:0011624, OMIM 606003.

gnomAD v4.1: 3 of 1,614,088 alleles (0.00019%); highest among the groups gnomAD compares: East Asian, 0.0022%; no homozygotes.

Submission:

Neuberg Centre For Genomic Medicine, NCGM
Classification: Uncertain significance for Deficiency of transaldolase. Last evaluated: 2023-05-20. Review status: criteria provided, single submitter. Criteria: ACMG Guidelines, 2015. Collection method: clinical testing. Allele origin: germline. Inheritance: Autosomal recessive inheritance. Affected: yes.
Comment: The missense variant c.732C>G (p.Ile244Met) in the TALDO1 gene has not been reported previously as a pathogenic variant nor as a benign variant, to our knowledge. This variant is absent in the gnomAD Exomes. The amino acid Isoleucine at position 244 is changed to a Methionine changing protein sequence and it might alter its composition and physico-chemical properties. Multiple lines of computational evidence (Polyphen - Damaging, SIFT - Damaging and MutationTaster - Disease causing) predict a damaging effect on protein structure and function for this variant. The amino acid change p.Ile244Met in TALDO1 is predicted as conserved by GERP++ and PhyloP across 100 vertebrates. For these reasons, this variant has been classified as Uncertain Significance.

NM_006755.2(TALDO1):c.732C>G (p.Ile244Met)

Gene: TALDO1 (transaldolase 1; plus strand). Cytogenetic location: 11p15.5.
Variant type: single nucleotide variant.
Coding change: c.732C>G on transcript NM_006755.2 (MANE Select); coding-DNA position 732, C replaced by G.
Protein change: p.Ile244Met; replaces isoleucine 244 with methionine.
Molecular consequence: missense variant.
Genome position (GRCh38, 1-based): chr11:763,841, C>G. VCF-style: chr11-763841-C-G. GRCh37 (hg19) VCF-style: chr11-763841-C-G.
Other names: short protein forms I244M.
Identifiers: ClinVar variation 3367035 (VCV003367035.1).